The following is an entry in ClinVar:

NC_000022.10:g.(?_50500002)_(50523373_?)del

Gene: MLC1 (modulator of VRAC current 1; minus strand). Cytogenetic location: 22q13.33.
Variant type: Deletion.
Identifiers: ClinVar variation 2426091 (VCV002426091.3).

ClinVar aggregate classification (germline): Pathogenic (1 of 4 stars; one submission).

Submission:

Labcorp Genetics (formerly Invitae), Labcorp
Classification: Pathogenic. Last evaluated: 2022-09-26. Review status: criteria provided, single submitter. Criteria: Invitae Variant Classification Sherloc (09022015). Collection method: clinical testing. Allele origin: germline.
Comment: A gross deletion of the genomic region encompassing the full coding sequence of the MLC1 gene has been identified. Loss-of-function variants in MLC1 are known to be pathogenic (PMID: 11254442, 16470554, 24824219). The boundaries of this event are unknown as they extend beyond the assayed region for this gene and therefore may encompass additional genes. This variant has not been reported in the literature in individuals affected with MLC1-related conditions. For these reasons, this variant has been classified as Pathogenic.

Literature cited by the submitters: PubMed 11254442; PubMed 16470554; PubMed 24824219.